The following is an entry in ClinVar:

ClinVar aggregate classification (germline): Uncertain significance (1 of 4 stars; one submission).

Conditions:
Neurodevelopmental disorder with gait disturbance, dysmorphic facies, and behavioral abnormalities, X-linked (HIJRS). Also called: HIJAZI-REIS SYNDROME. Identifiers: MedGen C5774179, MONDO:0859085, OMIM 301094.

Submission:

3billion
Classification: Uncertain significance for Neurodevelopmental disorder with gait disturbance, dysmorphic facies, and behavioral abnormalities, X-linked. Last evaluated: 2023-11-02. Review status: criteria provided, single submitter. Criteria: ACMG Guidelines, 2015. Collection method: clinical testing. Allele origin: germline. Affected: yes.
Comment: The variant is not observed in the gnomAD v2.1.1 dataset. Predicted Consequence/Location: Inframe insertion located in a nonrepeat region: predicted to change the length of the protein and disrupt normal protein function. Therefore, this variant is classified as VUS according to the recommendation of ACMG/AMP guideline.

NM_004780.3(TCEAL1):c.169_180dup (p.Glu60_Met61insLeuLeuProGlu)

Gene: TCEAL1 (transcription elongation factor A like 1; plus strand). Cytogenetic location: Xq22.2.
Variant type: Duplication.
Coding change: c.169_180dup on transcript NM_004780.3 (MANE Select); coding-DNA positions 169 to 180, 12 bases duplicated (CTCCTGCCTGAG).
Protein change: p.Glu60_Met61insLeuLeuProGlu.
Molecular consequence: inframe insertion.
Genome position (GRCh38, 1-based): chrX:103,630,085-103,630,096, CTCCTGCCTGAG duplicated; duplicating any 12 consecutive bases within chrX:103,630,077-103,630,096 gives the same sequence; the c. name uses the placement nearest the transcript's 3' end. VCF-style (leftmost placement, unchanged base first): chrX-103630076-T-TTGCCTGAGCTCC. GRCh37 (hg19) VCF-style: chrX-102885004-T-TTGCCTGAGCTCC.
Other names: c.169_180dup, p.Glu60_Met61insLeuLeuProGlu (NM_001006639.2, NM_001006640.2).
Identifiers: ClinVar variation 3775328 (VCV003775328.1).